The following is an entry in ClinVar:

NM_004380.3(CREBBP):c.2056C>T (p.Pro686Ser)

Gene: CREBBP (CREB binding lysine acetyltransferase; minus strand). Cytogenetic location: 16p13.3.
Variant type: single nucleotide variant.
Coding change: c.2056C>T on transcript NM_004380.3 (MANE Select); coding-DNA position 2056, C replaced by T.
Protein change: p.Pro686Ser; replaces proline 686 with serine.
Molecular consequence: missense variant.
Genome position (GRCh38, 1-based): chr16:3,778,068, G>A on the plus strand (C>T on the coding strand, the complement: CREBBP is on the minus strand). VCF-style: chr16-3778068-G-A. GRCh37 (hg19) VCF-style: chr16-3828069-G-A.
Other names: c.1942C>T, p.Pro648Ser (NM_001079846.1); short protein forms P648S, P686S.
Identifiers: ClinVar variation 2310474 (VCV002310474.5), dbSNP rs763996233, ClinGen allele CA7870290.

ClinVar aggregate classification (germline): Conflicting classifications of pathogenicity. Review status: criteria provided, conflicting classifications (1 of 4 stars). 3 submissions from 3 submitters: Uncertain significance (1); Benign (1). 1 of the submissions does not count toward it. Last evaluated 2025-01-11.

Conditions:
Rubinstein-Taybi syndrome (RSTS). Identifiers: Orphanet 783, MedGen C0035934, MONDO:0019188.
Inborn genetic diseases. Identifiers: MedGen C0950123, MeSH D030342.
CREBBP-related disorder. Also called: CREBBP-related disorders; CREBBP-related condition.

Allele frequency attached by ClinVar (database versions not stated): TOPMed 0.00002; gnomAD 0.00003.
gnomAD v4.1: 7 of 1,614,116 alleles (0.00043%); highest among the groups gnomAD compares: African/African-American, 0.0093%; no homozygotes.

Submissions (3):

Labcorp Genetics (formerly Invitae), Labcorp
Classification: Benign for Rubinstein-Taybi syndrome. Last evaluated: 2025-01-11. Review status: criteria provided, single submitter. Criteria: Invitae Variant Classification Sherloc (09022015). Collection method: clinical testing. Allele origin: germline.

Ambry Genetics
Classification: Uncertain significance for Inborn genetic diseases. Last evaluated: 2022-09-06. Review status: criteria provided, single submitter. Criteria: Ambry Variant Classification Scheme 2023. Collection method: clinical testing. Allele origin: germline.

PreventionGenetics, part of Exact Sciences
Classification: Uncertain significance for CREBBP-related condition. Last evaluated: 2024-05-03. Review status: no assertion criteria provided. Collection method: clinical testing. Allele origin: germline. Not counted in ClinVar's aggregate classification.
Comment: The CREBBP c.2056C>T variant is predicted to result in the amino acid substitution p.Pro686Ser. To our knowledge, this variant has not been reported in the literature. This variant is reported in 0.012% of alleles in individuals of African descent in gnomAD. Although we suspect that this variant may be benign, at this time, the clinical significance of this variant is uncertain due to the absence of conclusive functional and genetic evidence.